The following is an entry in ClinVar:

NM_006876.3(B4GAT1):c.468C>T (p.His156=)

Gene: B4GAT1 (beta-1,4-glucuronyltransferase 1; minus strand). Cytogenetic location: 11q13.2.
Variant type: single nucleotide variant.
Coding change: c.468C>T on transcript NM_006876.3 (MANE Select); coding-DNA position 468, C replaced by T.
Protein change: p.His156=; no amino-acid change (histidine 156 retained).
Molecular consequence: synonymous variant.
Genome position (GRCh38, 1-based): chr11:66,347,078, G>A on the plus strand (C>T on the coding strand, the complement: B4GAT1 is on the minus strand). VCF-style: chr11-66347078-G-A. GRCh37 (hg19) VCF-style: chr11-66114549-G-A.
Identifiers: ClinVar variation 515516 (VCV000515516.5), dbSNP rs1163014613, ClinGen allele CA475489423.
Genomic context (GRCh38, chr11:66,347,078, plus strand): 5'-AAACTCCCCCGGCTCCCGGGGGTCGGGCACGGCTGCCTCGTAACGCGAGGGGCACACGAG[G>A]TGCATGGCGACCCTGGCGCGCATGTCGGGGCAGTGGCTGCTCAGCGCGTAGGCCAGCACC-3'
Protein context (NP_006867.1, residues 146-166): CPDMRARVAM[His156=]LVCPSRYEAA

ClinVar aggregate classification (germline): Likely benign. Review status: criteria provided, multiple submitters, no conflicts (2 of 4 stars). 2 submissions from 2 submitters: Likely benign (2). Last evaluated 2022-10-18.

Conditions:
Muscular dystrophy-dystroglycanopathy (congenital with brain and eye anomalies), type A13. Also called: WALKER-WARBURG SYNDROME OR MUSCLE-EYE-BRAIN DISEASE, B3GNT1-RELATED; Muscular dystrophy-dystroglycanopathy (congenital with brain and eye anomalies), type a, 13. Identifiers: Orphanet 899, MedGen C3809042, MONDO:0014120, OMIM 615287.

Allele frequency attached by ClinVar (database versions not stated): gnomAD exomes below 0.00001; gnomAD 0.00001.

Submissions (2):

Labcorp Genetics (formerly Invitae), Labcorp
Classification: Likely benign for Muscular dystrophy-dystroglycanopathy (congenital with brain and eye anomalies), type A13. Last evaluated: 2022-10-18. Review status: criteria provided, single submitter. Criteria: Invitae Variant Classification Sherloc (09022015). Collection method: clinical testing. Allele origin: germline.

GeneDx
Classification: Likely benign. Last evaluated: 2018-02-19. Review status: criteria provided, single submitter. Criteria: GeneDx Variant Classification (06012015). Collection method: clinical testing. Allele origin: germline. Affected: yes.
Comment: This variant is considered likely benign or benign based on one or more of the following criteria: it is a conservative change, it occurs at a poorly conserved position in the protein, it is predicted to be benign by multiple in silico algorithms, and/or has population frequency not consistent with disease.